The following is an entry in ClinVar:

ClinVar aggregate classification (germline): Uncertain significance (1 of 4 stars; one submission).

Submission:

Labcorp Genetics (formerly Invitae), Labcorp
Classification: Uncertain significance. Last evaluated: 2022-06-23. Review status: criteria provided, single submitter. Criteria: Invitae Variant Classification Sherloc (09022015). Collection method: clinical testing. Allele origin: germline.
Comment: This sequence change replaces aspartic acid, which is acidic and polar, with valine, which is neutral and non-polar, at codon 379 of the P4HB protein (p.Asp379Val). In summary, the available evidence is currently insufficient to determine the role of this variant in disease. Therefore, it has been classified as a Variant of Uncertain Significance. Algorithms developed to predict the effect of missense changes on protein structure and function (SIFT, PolyPhen-2, Align-GVGD) all suggest that this variant is likely to be disruptive. This variant has not been reported in the literature in individuals affected with P4HB-related conditions. This variant is not present in population databases (gnomAD no frequency).

NM_000918.4(P4HB):c.1136A>T (p.Asp379Val)

Gene: P4HB (prolyl 4-hydroxylase subunit beta; minus strand). Cytogenetic location: 17q25.3.
Variant type: single nucleotide variant.
Coding change: c.1136A>T on transcript NM_000918.4 (MANE Select); coding-DNA position 1136, A replaced by T.
Protein change: p.Asp379Val; replaces aspartic acid 379 with valine.
Molecular consequence: missense variant.
Genome position (GRCh38, 1-based): chr17:81,845,912, T>A on the plus strand (A>T on the coding strand, the complement: P4HB is on the minus strand). VCF-style: chr17-81845912-T-A. GRCh37 (hg19) VCF-style: chr17-79803788-T-A.
Other names: short protein forms D379V.
Identifiers: ClinVar variation 2009516 (VCV002009516.4), dbSNP rs2509950266, ClinGen allele CA401507324.